The following is an entry in ClinVar:

NM_006031.6(PCNT):c.6578_6579delinsGA (p.Pro2193Arg)

Gene: PCNT (pericentrin; plus strand). Cytogenetic location: 21q22.3.
Variant type: Indel.
Coding change: c.6578_6579delinsGA on transcript NM_006031.6 (MANE Select); coding-DNA positions 6578 to 6579, CG replaced by GA.
Protein change: p.Pro2193Arg; replaces proline 2193 with arginine.
Molecular consequence: missense variant.
Genome position (GRCh38, 1-based): chr21:46,416,496-46,416,497, CG replaced by GA. VCF-style: chr21-46416496-CG-GA. GRCh37 (hg19) VCF-style: chr21-47836410-CG-GA.
Other names: c.6224_6225delinsGA, p.Pro2075Arg (NM_001315529.2); short protein forms P2075R, P2193R.
Identifiers: ClinVar variation 1934240 (VCV001934240.2), dbSNP rs2518829807, ClinGen allele CA2580099053.

ClinVar aggregate classification (germline): Uncertain significance (1 of 4 stars; one submission).

Submission:

Labcorp Genetics (formerly Invitae), Labcorp
Classification: Uncertain significance. Last evaluated: 2022-08-22. Review status: criteria provided, single submitter. Criteria: Invitae Variant Classification Sherloc (09022015). Collection method: clinical testing. Allele origin: germline.
Comment: This sequence change replaces proline, which is neutral and non-polar, with arginine, which is basic and polar, at codon 2193 of the PCNT protein (p.Pro2193Arg). Information on the frequency of this variant in the gnomAD database is not available, as this variant may be reported differently in the database. This variant has not been reported in the literature in individuals affected with PCNT-related conditions. Algorithms developed to predict the effect of missense changes on protein structure and function are either unavailable or do not agree on the potential impact of this missense change (SIFT: "Not Available"; PolyPhen-2: "Probably Damaging"; Align-GVGD: "Not Available"). In summary, the available evidence is currently insufficient to determine the role of this variant in disease. Therefore, it has been classified as a Variant of Uncertain Significance.